The following is an entry in ClinVar:

NM_181426.2(CCDC39):c.1795C>T (p.Arg599Ter)

Gene: CCDC39 (coiled-coil domain 39 molecular ruler complex subunit; minus strand). Cytogenetic location: 3q26.33.
Variant type: single nucleotide variant.
Coding change: c.1795C>T on transcript NM_181426.2 (MANE Select); coding-DNA position 1795, C replaced by T.
Protein change: p.Arg599Ter; replaces arginine 599 with a stop codon.
Molecular consequence: nonsense.
Genome position (GRCh38, 1-based): chr3:180,642,072, G>A on the plus strand (C>T on the coding strand, the complement: CCDC39 is on the minus strand). VCF-style: chr3-180642072-G-A. GRCh37 (hg19) VCF-style: chr3-180359860-G-A.
Other names: short protein forms R599*.
Identifiers: ClinVar variation 455014 (VCV000455014.17), dbSNP rs201780665, ClinGen allele CA2715872.

ClinVar aggregate classification (germline): Conflicting classifications of pathogenicity. Review status: criteria provided, conflicting classifications (1 of 4 stars). 8 submissions from 8 submitters: Pathogenic (6); Likely pathogenic (1); Uncertain significance (1). Last evaluated 2026-03-25.

Conditions:
CCDC39-related disorder. Also called: CCDC39-related condition.
Primary ciliary dyskinesia 14. Also called: CILIARY DYSKINESIA, PRIMARY, 14, WITH OR WITHOUT SITUS INVERSUS. Identifiers: Orphanet 244, MedGen C3151136, MONDO:0013434, OMIM 613807.
Primary ciliary dyskinesia. Also called: Ciliary dyskinesia. Identifiers: Orphanet 244, MedGen C0008780, MONDO:0016575, HP:0012265.
Ellis-van Creveld syndrome (EVC). Also called: MESOECTODERMAL DYSPLASIA; Chondroectodermal dysplasia. Identifiers: Orphanet 289, MedGen C0013903, MONDO:0009162, OMIM 225500.

Allele frequency attached by ClinVar (database versions not stated): gnomAD 0.00004 and 0.00005; TOPMed 0.00006; ESP Exome Variant Server 0.00008; 1000 Genomes Project 30x 0.00016; 1000 Genomes Project 0.00020.
gnomAD v4.1: 141 of 1,611,134 alleles (0.0088%); highest among the groups gnomAD compares: Non-Finnish European, 0.012%; no homozygotes.

Submissions (8):

PreventionGenetics, part of Exact Sciences
Classification: Pathogenic for CCDC39-related condition. Last evaluated: 2026-03-25. Review status: criteria provided, single submitter. Criteria: ACMG Guidelines, 2015. Collection method: clinical testing. Allele origin: germline.
Comment: The CCDC39 c.1795C>T variant is predicted to result in premature protein termination (p.Arg599*). This variant was reported in the homozygous or compound heterozygous state in individuals with primary ciliary dyskinesia (Antony et al 2013. PubMed ID: 23255504; Kim et al 2014. PubMed ID: 24498942; Davis et al 2019. PubMed ID: 30067075). This variant is reported in 0.014% of alleles in individuals of European (non-Finnish) descent in gnomAD. Nonsense variants in CCDC39 are expected to be pathogenic. This variant is interpreted as pathogenic.

Labcorp Genetics (formerly Invitae), Labcorp
Classification: Pathogenic for Primary ciliary dyskinesia. Last evaluated: 2026-01-06. Review status: criteria provided, single submitter. Criteria: Invitae Variant Classification Sherloc (09022015). Collection method: clinical testing. Allele origin: germline.
Comment: This sequence change creates a premature translational stop signal (p.Arg599*) in the CCDC39 gene. It is expected to result in an absent or disrupted protein product. Loss-of-function variants in CCDC39 are known to be pathogenic (PMID: 21131972, 23255504). This variant is present in population databases (rs201780665, gnomAD 0.01%). This premature translational stop signal has been observed in individuals with primary ciliary dyskinesia (PMID: 23255504, 24498942). ClinVar contains an entry for this variant (Variation ID: 455014). For these reasons, this variant has been classified as Pathogenic.

Victorian Clinical Genetics Services, Murdoch Childrens Research Institute
Classification: Pathogenic for Primary ciliary dyskinesia 14. Last evaluated: 2025-11-14. Review status: criteria provided, single submitter. Criteria: ACMG Guidelines, 2015. Collection method: clinical testing. Allele origin: germline. Affected: yes.
Comment: This variant is classified as Pathogenic. Evidence in support of pathogenic classification: Variant is predicted to cause nonsense-mediated decay (NMD) and loss of protein (premature termination codon is located at least 54 nucleotides upstream of the final exon-exon junction); Variant is present in gnomAD <0.01 for a recessive condition (v4: 141 heterozygote(s), 0 homozygote(s)); This variant has moderate previous evidence of pathogenicity in unrelated individuals. This variant has been classified as likely pathogenic/pathogenic by clinical laboratories in ClinVar; Other NMD-predicted variant(s) comparable to the one identified in this case have very strong previous evidence for pathogenicity (DECIPHER). Additional information: This variant is heterozygous; This gene is associated with autosomal recessive disease; Loss of function is a known mechanism of disease in this gene and is associated with ciliary dyskinesia, primary, 14 (MIM#613807); Inheritance information for this variant is not currently available in this individual.

Blueprint Genetics
Classification: Pathogenic for CCDC39-related disorders. Last evaluated: 2024-04-16. Review status: criteria provided, single submitter. Criteria: ACMG Guidelines, 2015. Collection method: clinical testing. Allele origin: germline. Affected: yes. Observed: 5 variant alleles.

AiLife Diagnostics
Classification: Likely pathogenic. Last evaluated: 2022-01-21. Review status: criteria provided, single submitter. Criteria: ACMG Guidelines, 2015. Collection method: clinical testing. Allele origin: germline. Affected: yes. Observed: 1 variant allele.

Ambry Genetics
Classification: Pathogenic for Primary ciliary dyskinesia. Last evaluated: 2021-03-11. Review status: criteria provided, single submitter. Criteria: Ambry Variant Classification Scheme 2023. Collection method: clinical testing. Allele origin: germline.
Comment: The p.R599* pathogenic mutation (also known as c.1795C>T), located in coding exon 13 of the CCDC39 gene, results from a C to T substitution at nucleotide position 1795. This changes the amino acid from an arginine to a stop codon within coding exon 13. This mutation has been reported in one homozgyous and two compound heterozygous individuals with primary ciliary dyskiensia (Antony D et al. Hum Mutat, 2013 Mar;34:462-72; Davis SD et al. Am J Respir Crit Care Med, 2019 01;199:190-198). In addition to the clinical data presented in the literature, this alteration is expected to result in loss of function by premature protein truncation or nonsense-mediated mRNA decay. As such, this alteration is interpreted as a disease-causing mutation.

Molecular Diagnostics Laboratory, M Health Fairview: University of Minnesota
Classification: Pathogenic for Primary ciliary dyskinesia 14. Last evaluated: 2020-11-24. Review status: criteria provided, single submitter. Criteria: ACMG Guidelines, 2015. Collection method: clinical testing. Allele origin: germline. Affected: yes.

Rare Disease Group, Clinical Genetics, Karolinska Institutet
Classification: Uncertain significance for Ellis-van Creveld syndrome. Last evaluated: 2018-05-01. Review status: criteria provided, single submitter. Criteria: ACMG Guidelines, 2015. Collection method: research. Allele origin: paternal. Inheritance: Autosomal recessive inheritance. Affected: yes.

Literature cited by the submitters: PubMed 21131972 (cited by Labcorp Genetics (formerly Invitae), Labcorp); PubMed 23255504 (cited by 3 submitters); PubMed 24498942 (cited by Labcorp Genetics (formerly Invitae), Labcorp); PubMed 31980526 (cited by AiLife Diagnostics); PubMed 30067075 (cited by Ambry Genetics).